The following is an entry in ClinVar:

NM_145239.3(PRRT2):c.879+1G>T

Genes: MVP-DT (MVP divergent transcript; minus strand), PRRT2 (proline rich transmembrane protein 2; plus strand). Cytogenetic location: 16p11.2.
Variant type: single nucleotide variant.
Coding change: c.879+1G>T on transcript NM_145239.3 (MANE Select); the canonical splice donor site of the intron after coding-DNA position 879, G replaced by T.
Molecular consequence: splice donor variant. On other transcripts: missense variant (1).
Genome position (GRCh38, 1-based): chr16:29,813,934, G>T. VCF-style: chr16-29813934-G-T. GRCh37 (hg19) VCF-style: chr16-29825255-G-T.
Other names: c.880G>T, p.Val294Leu (NM_001256443.2); c.879+1G>T (NM_001256442.2); short protein forms V294L.
Identifiers: ClinVar variation 3722155 (VCV003722155.4).

ClinVar aggregate classification (germline): Pathogenic/Likely pathogenic. Review status: criteria provided, multiple submitters, no conflicts (2 of 4 stars). 3 submissions from 3 submitters: Pathogenic (1); Likely pathogenic (2). Last evaluated 2024-09-02.

Conditions:
Episodic kinesigenic dyskinesia (EKD). Also called: Paroxysmal kinesigenic dyskinesia. Identifiers: Orphanet 98809, MedGen C1868682, MONDO:0044202.
PRRT2-Related Disorder. Also called: PRRT2-related disorders. Identifiers: MedGen CN381059.

Submissions (3):

3billion
Classification: Pathogenic for PRRT2-related disorder. Last evaluated: 2024-09-02. Review status: criteria provided, single submitter. Criteria: ACMG Guidelines, 2015. Collection method: clinical testing. Allele origin: germline. Affected: yes.
Comment: The variant is not observed in the gnomAD v4.0.0 dataset. Predicted Consequence/Location: Canonical splice site: predicted to alter splicing and result in a loss or disruption of normal protein function. Multiple pathogenic loss-of-function variants are reported downstream of the variant. In silico tools predict the variant to alter splicing and produce an abnormal transcript [SpliceAI: 0.66 (spliceogenicity >=0.2, non-spliceogenicity <0.1)]. The variant has been reported to be associated with PRRT2 related disorder (PMID: 22243967). Therefore, this variant is classified as Pathogenic according to the recommendation of ACMG/AMP guideline.

Labcorp Genetics (formerly Invitae), Labcorp
Classification: Likely pathogenic for Episodic kinesigenic dyskinesia. Last evaluated: 2024-02-23. Review status: criteria provided, single submitter. Criteria: Invitae Variant Classification Sherloc (09022015). Collection method: clinical testing. Allele origin: germline.
Comment: This sequence change affects a donor splice site in intron 2 of the PRRT2 gene. It is expected to disrupt RNA splicing. Variants that disrupt the donor or acceptor splice site typically lead to a loss of protein function (PMID: 16199547), and loss-of-function variants in PRRT2 are known to be pathogenic (PMID: 22623405, 22744660). This variant is not present in population databases (gnomAD no frequency). Disruption of this splice site has been observed in individual(s) with benign familial neonatal-infantile seizures (PMID: 22243967). Algorithms developed to predict the effect of sequence changes on RNA splicing suggest that this variant may disrupt the consensus splice site. In summary, the currently available evidence indicates that the variant is pathogenic, but additional data are needed to prove that conclusively. Therefore, this variant has been classified as Likely Pathogenic.

Blueprint Genetics
Classification: Likely pathogenic for PRRT2-related disorders. Last evaluated: 2018-08-01. Review status: criteria provided, single submitter. Criteria: ACMG Guidelines, 2015. Collection method: clinical testing. Allele origin: germline. Affected: yes. Observed: 1 variant allele.

Literature cited by the submitters: PubMed 22243967 (cited by 3billion and Labcorp Genetics (formerly Invitae), Labcorp); PubMed 16199547 (cited by Labcorp Genetics (formerly Invitae), Labcorp); PubMed 22623405 (cited by Labcorp Genetics (formerly Invitae), Labcorp); PubMed 22744660 (cited by Labcorp Genetics (formerly Invitae), Labcorp).